The following is an entry in ClinVar:

ClinVar aggregate classification (germline): Likely benign. Review status: criteria provided, multiple submitters, no conflicts (2 of 4 stars). 3 submissions from 3 submitters: Likely benign (3). Last evaluated 2026-08-01.

Conditions:
CDKN1B-related disorder. Also called: CDKN1B-related condition.
Hereditary cancer-predisposing syndrome. Also called: Tumor predisposition; Hereditary neoplastic syndrome; Neoplastic Syndromes, Hereditary; Hereditary Cancer Syndrome. Identifiers: Orphanet 140162, MedGen C0027672, MeSH D009386, MONDO:0015356.
Multiple endocrine neoplasia type 4. Also called: MULTIPLE ENDOCRINE NEOPLASIA, TYPE IV. Identifiers: Orphanet 276152, MedGen C1970712, MONDO:0012552, OMIM 610755.

Allele frequency attached by ClinVar (database versions not stated): ExAC 0.00004; gnomAD exomes 0.00004; ESP Exome Variant Server 0.00008; gnomAD 0.00011 and 0.00013; TOPMed 0.00011.

Submissions (3):

PreventionGenetics, part of Exact Sciences
Classification: Likely benign for CDKN1B-related condition. Last evaluated: 2026-08-01. Review status: criteria provided, single submitter. Criteria: ACMG Guidelines, 2015. Collection method: clinical testing. Allele origin: germline.
Comment: This variant is classified as likely benign based on ACMG/AMP sequence variant interpretation guidelines (Richards et al. 2015 PMID: 25741868, with internal and published modifications).

Labcorp Genetics (formerly Invitae), Labcorp
Classification: Likely benign for Multiple endocrine neoplasia type 4. Last evaluated: 2026-01-28. Review status: criteria provided, single submitter. Criteria: Invitae Variant Classification Sherloc (09022015). Collection method: clinical testing. Allele origin: germline.

Ambry Genetics
Classification: Likely benign for Hereditary cancer-predisposing syndrome. Last evaluated: 2017-12-20. Review status: criteria provided, single submitter. Criteria: Ambry Variant Classification Scheme 2023. Collection method: clinical testing. Allele origin: germline.

NM_004064.5(CDKN1B):c.24C>T (p.Asn8=)

Gene: CDKN1B (cyclin dependent kinase inhibitor 1B; plus strand). Cytogenetic location: 12p13.1.
Variant type: single nucleotide variant.
Coding change: c.24C>T on transcript NM_004064.5 (MANE Select); coding-DNA position 24, C replaced by T.
Protein change: p.Asn8=; no amino-acid change (asparagine 8 retained).
Molecular consequence: synonymous variant.
Genome position (GRCh38, 1-based): chr12:12,717,863, C>T. VCF-style: chr12-12717863-C-T. GRCh37 (hg19) VCF-style: chr12-12870797-C-T.
Identifiers: ClinVar variation 469009 (VCV000469009.17), dbSNP rs371308246, ClinGen allele CA6457362.
Genomic context (GRCh38, chr12:12,717,863, plus strand): 5'-AGTGCGAGAGAGGCGGTCGTGCAGACCCGGGAGAAAGATGTCAAACGTGCGAGTGTCTAA[C>T]GGGAGCCCTAGCCTGGAGCGGATGGACGCCAGGCAGGCGGAGCACCCCAAGCCCTCGGCC-3'
Protein context (NP_004055.1, residues 1-18): MSNVRVS[Asn8=]GSPSLERMDA